The following is an entry in ClinVar:

ClinVar aggregate classification (germline): Uncertain significance (1 of 4 stars; one submission).

Conditions:
Spastic paraplegia. Identifiers: MedGen C0037772, HP:0001258.

Allele frequency attached by ClinVar (database versions not stated): gnomAD exomes below 0.00001.

Submission:

Labcorp Genetics (formerly Invitae), Labcorp
Classification: Uncertain significance for Spastic paraplegia. Last evaluated: 2019-08-24. Review status: criteria provided, single submitter. Criteria: Invitae Variant Classification Sherloc (09022015). Collection method: clinical testing. Allele origin: germline.
Comment: This variant has not been reported in the literature in individuals with ARSI-related conditions. Algorithms developed to predict the effect of missense changes on protein structure and function are either unavailable or do not agree on the potential impact of this missense change (SIFT: "Deleterious"; PolyPhen-2: "Probably Damaging"; Align-GVGD: "Class C0"). In summary, the available evidence is currently insufficient to determine the role of this variant in disease. Therefore, it has been classified as a Variant of Uncertain Significance. This variant is not present in population databases (ExAC no frequency). This sequence change replaces tryptophan with glycine at codon 411 of the ARSI protein (p.Trp411Gly). The tryptophan residue is highly conserved and there is a large physicochemical difference between tryptophan and glycine.

NM_001012301.4(ARSI):c.1231T>G (p.Trp411Gly)

Gene: ARSI (arylsulfatase family member I; minus strand). Cytogenetic location: 5q32.
Variant type: single nucleotide variant.
Coding change: c.1231T>G on transcript NM_001012301.4 (MANE Select); coding-DNA position 1231, T replaced by G.
Protein change: p.Trp411Gly; replaces tryptophan 411 with glycine.
Molecular consequence: missense variant.
Genome position (GRCh38, 1-based): chr5:150,297,693, A>C on the plus strand (T>G on the coding strand, the complement: ARSI is on the minus strand). VCF-style: chr5-150297693-A-C. GRCh37 (hg19) VCF-style: chr5-149677256-A-C.
Other names: short protein forms W411G.
Identifiers: ClinVar variation 939233 (VCV000939233.9), dbSNP rs1249725578, ClinGen allele CA361728606.
Genomic context (GRCh38, chr5:150,297,693, plus strand): 5'-GGTCTCCTGTCAGCAGCTTCCACTCACCCACGCGGATGGCAGCCTGCACGGCGGTGTTCC[A>C]GATGCCAAAGCCGCCCTCCAGGGAGCCATGCTGGGCATGGTTGTAGAGTGGGTCAATGTT-3'
Protein context (NP_001012301.1, residues 401-421): HGSLEGGFGI[Trp411Gly]NTAVQAAIRV